The following is an entry in ClinVar:

ClinVar aggregate classification (germline): Uncertain significance (1 of 4 stars; one submission).

Conditions:
Nephronophthisis 15 (NPHP15). Identifiers: Orphanet 3156, MedGen C3541853, MONDO:0013917, OMIM 614845.

Allele frequency attached by ClinVar (database versions not stated): gnomAD exomes 0.00001 and 0.00002; ExAC 0.00002.
gnomAD v4.1: 5 of 1,612,820 alleles (0.00031%); highest among the groups gnomAD compares: Admixed American, 0.0083%; no homozygotes.

Submission:

Labcorp Genetics (formerly Invitae), Labcorp
Classification: Uncertain significance for Nephronophthisis 15. Last evaluated: 2021-03-01. Review status: criteria provided, single submitter. Criteria: Invitae Variant Classification Sherloc (09022015). Collection method: clinical testing. Allele origin: germline.
Comment: Nucleotide substitutions within the consensus splice site are a relatively common cause of aberrant splicing (PMID: 17576681, 9536098). Algorithms developed to predict the effect of sequence changes on RNA splicing suggest that this variant is not likely to affect RNA splicing, but this prediction has not been confirmed by published transcriptional studies. In summary, the available evidence is currently insufficient to determine the role of this variant in disease. Therefore, it has been classified as a Variant of Uncertain Significance. This variant has not been reported in the literature in individuals with CEP164-related conditions. This variant is present in population databases (rs763312597, ExAC 0.02%). This sequence change falls in intron 19 of the CEP164 gene. It does not directly change the encoded amino acid sequence of the CEP164 protein, but it affects a nucleotide within the consensus splice site of the intron.

Literature cited by the submitters: PubMed 17576681; PubMed 9536098.

NM_014956.5(CEP164):c.2494-3C>T

Gene: CEP164 (centrosomal protein 164; plus strand). Cytogenetic location: 11q23.3.
Variant type: single nucleotide variant.
Coding change: c.2494-3C>T on transcript NM_014956.5 (MANE Select); 3 bases into the intron before coding-DNA position 2494, C replaced by T.
Molecular consequence: intron variant.
Genome position (GRCh38, 1-based): chr11:117,393,001, C>T. VCF-style: chr11-117393001-C-T. GRCh37 (hg19) VCF-style: chr11-117263717-C-T.
Other names: c.2503-3C>T (NM_001271933.2).
Identifiers: ClinVar variation 853463 (VCV000853463.5), dbSNP rs763312597, ClinGen allele CA6295107.